The following is an entry in ClinVar:

ClinVar aggregate classification (germline): Uncertain significance (1 of 4 stars; one submission).

Allele frequency attached by ClinVar (database versions not stated): gnomAD exomes 0.00001 and 0.00003; gnomAD 0.00002; TOPMed 0.00002.
gnomAD v4.1: 8 of 1,209,597 alleles (0.00066%); highest among the groups gnomAD compares: Admixed American, 0.018%; no homozygotes.

Submission:

Labcorp Genetics (formerly Invitae), Labcorp
Classification: Uncertain significance. Last evaluated: 2026-01-05. Review status: criteria provided, single submitter. Criteria: Invitae Variant Classification Sherloc (09022015). Collection method: clinical testing. Allele origin: germline.
Comment: This sequence change replaces lysine, which is basic and polar, with threonine, which is neutral and polar, at codon 1430 of the NEXMIF protein (p.Lys1430Thr). This variant is present in population databases (no rsID available, gnomAD 0.02%), including at least one homozygous and/or hemizygous individual. This variant has not been reported in the literature in individuals affected with NEXMIF-related conditions. ClinVar contains an entry for this variant (Variation ID: 573180). An algorithm developed to predict the effect of missense changes on protein structure and function (PolyPhen-2) suggests that this variant is likely to be tolerated. In summary, the available evidence is currently insufficient to determine the role of this variant in disease. Therefore, it has been classified as a Variant of Uncertain Significance.

NM_001008537.3(NEXMIF):c.4289A>C (p.Lys1430Thr)

Gene: NEXMIF (neurite extension and migration factor; minus strand). Cytogenetic location: Xq13.3.
Variant type: single nucleotide variant.
Coding change: c.4289A>C on transcript NM_001008537.3 (MANE Select); coding-DNA position 4289, A replaced by C.
Protein change: p.Lys1430Thr; replaces lysine 1430 with threonine.
Molecular consequence: missense variant.
Genome position (GRCh38, 1-based): chrX:74,740,268, T>G on the plus strand (A>C on the coding strand, the complement: NEXMIF is on the minus strand). VCF-style: chrX-74740268-T-G. GRCh37 (hg19) VCF-style: chrX-73960103-T-G.
Other names: short protein forms K1430T.
Identifiers: ClinVar variation 573180 (VCV000573180.8), dbSNP rs774654591, ClinGen allele CA331301691.